The following is an entry in ClinVar:

ClinVar aggregate classification (germline): Pathogenic (1 of 4 stars; one submission).

Conditions:
Primary ciliary dyskinesia. Also called: Ciliary dyskinesia. Identifiers: Orphanet 244, MedGen C0008780, MONDO:0016575, HP:0012265.

Submission:

Labcorp Genetics (formerly Invitae), Labcorp
Classification: Pathogenic for Primary ciliary dyskinesia. Last evaluated: 2023-10-04. Review status: criteria provided, single submitter. Criteria: Invitae Variant Classification Sherloc (09022015). Collection method: clinical testing. Allele origin: germline.
Comment: This variant is a gross deletion of the genomic region encompassing exon(s) 10 of the CCDC40 gene. This deletion is out-of-frame, and is expected to create a premature termination codon and result in an absent or disrupted protein product. Loss-of-function variants in CCDC40 are known to be pathogenic (PMID: 21131974, 22693285, 23255504). This variant has not been reported in the literature in individuals affected with CCDC40-related conditions. For these reasons, this variant has been classified as Pathogenic.

Literature cited by the submitters: PubMed 21131974; PubMed 22693285; PubMed 23255504.

NC_000017.10:g.(?_78039264)_(78039425_?)del

Gene: CCDC40 (coiled-coil domain 40 molecular ruler complex subunit; plus strand). Cytogenetic location: 17q25.3.
Variant type: Deletion.
Identifiers: ClinVar variation 1459089 (VCV001459089.14).